The following is an entry in ClinVar:

NM_025114.4(CEP290):c.5512dup (p.Arg1838fs)

Gene: CEP290 (centrosomal protein 290; minus strand). Cytogenetic location: 12q21.32.
Variant type: Duplication.
Coding change: c.5512dup on transcript NM_025114.4 (MANE Select); coding-DNA position 5512, one base duplicated (A; older notation c.5512dupA).
Protein change: p.Arg1838fs; shifts the reading frame from arginine 1838.
Molecular consequence: frameshift variant.
Genome position (GRCh38, 1-based): chr12:88,077,771, T duplicated on the plus strand (A on the coding strand, the reverse complement: CEP290 is on the minus strand). VCF-style (leftmost placement, unchanged base first): chr12-88077770-C-CT. GRCh37 (hg19) VCF-style: chr12-88471547-C-CT.
Other names: c.5512dupA (NM_025114.3); short protein forms R1838fs.
Identifiers: ClinVar variation 581329 (VCV000581329.13), dbSNP rs1565822519, ClinGen allele CA891843507.
Genomic context (GRCh38, chr12:88,077,770, plus strand): 5'-GTTAGTCTTTTAATTTGCCTTTTCAGTTCATCATTCTCTTGATCAATTTCCTCTTTCTCT[C>CT]TAAGTATTTTATTATAGGCTTTTTGTTTCTTTTGCAGTTCATTATTTAAGTCATTCAAAT-3'

ClinVar aggregate classification (germline): Pathogenic/Likely pathogenic. Review status: criteria provided, multiple submitters, no conflicts (2 of 4 stars). 4 submissions from 4 submitters: Pathogenic (2); Likely pathogenic (2). Last evaluated 2026-07-27.

Conditions:
Nephronophthisis. Also called: Juvenile Nephronophthisis. Identifiers: Orphanet 655, MedGen C0687120, MONDO:0019005, HP:0000090.
Meckel-Gruber syndrome. Also called: DYSENCEPHALIA SPLANCHNOCYSTICA; GRUBER SYNDROME; Dysencephalia splachnocystica. Identifiers: Orphanet 564, MedGen C0265215, MONDO:0018921.
Joubert syndrome. Also called: Familial aplasia of the vermis; JOUBERT-BOLTSHAUSER SYNDROME. Identifiers: Orphanet 475, MedGen C5979921, MONDO:0018772.
Leber congenital amaurosis (LCA). Also called: Leber's amaurosis. Identifiers: Orphanet 65, MedGen C0339527, MeSH D057130, MONDO:0018998.
CEP290-related ciliopathy. Also called: CEP290 ciliopathy. Identifiers: MedGen CN305601, MONDO:0100451.
Joubert syndrome 5 (JBTS5). Identifiers: Orphanet 2318, MedGen C1857780, MONDO:0012432, OMIM 610188.

Submissions (4):

Myriad Genetics, Inc.
Classification: Pathogenic for CEP290-related ciliopathy. Last evaluated: 2026-07-27. Review status: criteria provided, single submitter. Criteria: Myriad Autosomal Dominant, Autosomal Recessive and X-Linked Classification Criteria (2023). Collection method: clinical testing. Allele origin: unknown.
Comment: NM_025114.3(CEP290):c.5512dupA(R1838Kfs*7) is a frameshift variant classified as pathogenic in the context of CEP290-related disorders. R1838Kfs*7 has not been observed in cases with relevant disease. Relevant functional assessments of this variant are not available in the literature. R1838Kfs*7 has not been observed in referenced population frequency databases. In summary, NM_025114.3(CEP290):c.5512dupA(R1838Kfs*7) is a frameshift variant in a gene where loss of function is a known mechanism of disease and is predicted to disrupt protein function. Please note: this variant was assessed in the context of healthy population screening.

Natera, Inc.
Classification: Likely pathogenic for Leber congenital amaurosis. Last evaluated: 2024-12-03. Review status: criteria provided, single submitter. Criteria: Natera Variant Classification Schema (03/2026). Collection method: clinical testing. Allele origin: germline.
Comment: The c.5512dupA variant in CEP290 is a frameshift variant predicted to shift the reading frame beginning at codon 1838 and leads to a stop codon 7 codons downstream. This variant is expected to result in nonsense mediated decay, truncation, or a dysfunctional protein product. This variant is rare in the general population with a frequency below the threshold expected for the associated phenotype(s). Given the available evidence, this variant is classified as Likely Pathogenic.

Labcorp Genetics (formerly Invitae), Labcorp
Classification: Pathogenic for Joubert syndrome; Meckel-Gruber syndrome; Nephronophthisis. Last evaluated: 2024-04-17. Review status: criteria provided, single submitter. Criteria: Invitae Variant Classification Sherloc (09022015). Collection method: clinical testing. Allele origin: germline.
Comment: This sequence change creates a premature translational stop signal (p.Arg1838Lysfs*7) in the CEP290 gene. It is expected to result in an absent or disrupted protein product. Loss-of-function variants in CEP290 are known to be pathogenic (PMID: 16909394, 17345604, 20690115). This variant is not present in population databases (gnomAD no frequency). This variant has not been reported in the literature in individuals affected with CEP290-related conditions. ClinVar contains an entry for this variant (Variation ID: 581329). For these reasons, this variant has been classified as Pathogenic.

Institute of Human Genetics, Heidelberg University
Classification: Likely pathogenic for Joubert syndrome 5. Last evaluated: 2023-11-11. Review status: criteria provided, single submitter. Criteria: ACMG Guidelines, 2015. Collection method: clinical testing. Allele origin: germline. Affected: yes.

Literature cited by the submitters: PubMed 16909394 (cited by Labcorp Genetics (formerly Invitae), Labcorp); PubMed 17345604 (cited by Labcorp Genetics (formerly Invitae), Labcorp); PubMed 20690115 (cited by Labcorp Genetics (formerly Invitae), Labcorp).